The following is an entry in ClinVar:

NM_012199.5(AGO1):c.*10686T>C

Gene: AGO1 (argonaute RISC component 1; plus strand). Cytogenetic location: 1p34.3.
Variant type: single nucleotide variant.
Coding change: c.*10686T>C on transcript NM_012199.5 (MANE Select); 10686 bases downstream of the stop codon, T replaced by C.
Molecular consequence: 3 prime UTR variant.
Genome position (GRCh38, 1-based): chr1:35,930,293, T>C. VCF-style: chr1-35930293-T-C. GRCh37 (hg19) VCF-style: chr1-36395894-T-C.
Other names: c.*10584T>C (NM_001317122.2); c.*10686T>C (NM_001317123.2).
Identifiers: ClinVar variation 2626930 (VCV002626930.1), dbSNP rs2523971759, ClinGen allele CA2582341909.

ClinVar aggregate classification (germline): Uncertain significance (1 of 4 stars; one submission).

Submission:

Greenwood Genetic Center Diagnostic Laboratories, Greenwood Genetic Center
Classification: Uncertain significance. Last evaluated: 2023-09-11. Review status: criteria provided, single submitter. Criteria: ACMG Guidelines, 2015. Collection method: clinical testing. Allele origin: germline. Affected: yes.
Comment: PM2